The following is an entry in ClinVar:

ClinVar aggregate classification (germline): Uncertain significance (1 of 4 stars; one submission).

Submission:

GeneDx
Classification: Uncertain significance. Last evaluated: 2022-01-14. Review status: criteria provided, single submitter. Criteria: GeneDx Variant Classification Process June 2021. Collection method: clinical testing. Allele origin: germline. Affected: yes.
Comment: Not observed at significant frequency in large population cohorts (gnomAD); Frameshift variant predicted to result in protein truncation as the last 78 amino acids are replaced with 28 different amino acids, and other loss-of-function variants have been reported downstream of this position in the protein (HGMD); Has not been previously published as pathogenic or benign to our knowledge

NM_000163.5(GHR):c.1682dup (p.Asn561fs)

Gene: GHR (growth hormone receptor; plus strand). Cytogenetic location: 5p12.
Variant type: Duplication.
Coding change: c.1682dup on transcript NM_000163.5 (MANE Select); coding-DNA position 1682, one base duplicated (A; older notation c.1682dupA).
Protein change: p.Asn561fs; shifts the reading frame from asparagine 561.
Molecular consequence: frameshift variant. On other transcripts: 3 prime UTR variant (1).
Genome position (GRCh38, 1-based): chr5:42,719,189, A duplicated; the last of 3 consecutive A bases (chr5:42,719,187-42,719,189); duplicating any one gives the same sequence. VCF-style (leftmost placement, unchanged base first): chr5-42719186-T-TA. GRCh37 (hg19) VCF-style: chr5-42719288-T-TA.
Other names: c.1682dup, p.Asn561fs (NM_001242404.2, NM_001242405.2, NM_001242406.2 and 4 more transcripts); c.1616dup, p.Asn539Lysfs (NM_001242460.2); c.*724dup (NM_001242462.1); c.1703dup, p.Asn568fs (NM_001242399.2); short protein forms N539fs, N561fs, N568fs.
Identifiers: ClinVar variation 1697007 (VCV001697007.2), dbSNP rs2111871229, ClinGen allele CA2580073297.